The following is an entry in ClinVar:

NM_005235.3(ERBB4):c.1490-15T>C

Gene: ERBB4 (erb-b2 receptor tyrosine kinase 4; minus strand). Cytogenetic location: 2q34.
Variant type: single nucleotide variant.
Coding change: c.1490-15T>C on transcript NM_005235.3 (MANE Select); 15 bases into the intron before coding-DNA position 1490, T replaced by C.
Molecular consequence: intron variant.
Genome position (GRCh38, 1-based): chr2:211,679,199, A>G on the plus strand (T>C on the coding strand, the complement: ERBB4 is on the minus strand). VCF-style: chr2-211679199-A-G. GRCh37 (hg19) VCF-style: chr2-212543924-A-G.
Other names: c.1490-15T>C (NM_001042599.2, NM_001439006.1, NM_001439005.1).
Identifiers: ClinVar variation 1210000 (VCV001210000.19), dbSNP rs4673628, ClinGen allele CA2088112.
Genomic context (GRCh38, chr2:211,679,199, plus strand): 5'-CAGCCATCACTGGAACACAGATGGTTGCACACCATTCCTTCAGCAGCTGTGAAACACCAA[A>G]ATCAAGGGGAAATAAAACAGAGGATTGTGTCAAAACTTAAAATCTTCCTAGGTAATGCTA-3'

ClinVar aggregate classification (germline): Benign. Review status: criteria provided, multiple submitters, no conflicts (2 of 4 stars). 7 submissions from 7 submitters: Benign (5). 2 of the submissions do not count toward it. Last evaluated 2026-02-04.

Conditions:
Amyotrophic lateral sclerosis type 19. Identifiers: Orphanet 803, MedGen C3715155, MONDO:0014223, OMIM 615515.

Allele frequency attached by ClinVar (database versions not stated): 1000 Genomes Project 0.34425; 1000 Genomes Project 30x 0.35087; gnomAD exomes 0.39413 and 0.43483; ExAC 0.39700; gnomAD 0.44308 and 0.45282; TOPMed 0.44668; ESP Exome Variant Server 0.47347.
gnomAD v4.1: 701,711 of 1,610,666 alleles (44%); highest among the groups gnomAD compares: Middle Eastern, 54%; 158,880 homozygotes.

Submissions (7):

Labcorp Genetics (formerly Invitae), Labcorp
Classification: Benign. Last evaluated: 2026-02-04. Review status: criteria provided, single submitter. Criteria: Invitae Variant Classification Sherloc (09022015). Collection method: clinical testing. Allele origin: germline.

Unidad de Genómica Garrahan, Hospital de Pediatría Garrahan
Classification: Benign. Last evaluated: 2024-07-15. Review status: criteria provided, single submitter. Criteria: ACMG Guidelines, 2015. Collection method: clinical testing. Allele origin: germline. Affected: no. Observed: 49 variant alleles.
Comment: This variant is classified as Benign based on local population frequency. This variant was detected in 53% of patients studied in a panel designed for Epileptic and Developmental Encephalopathy and Progressive Myoclonus Epilepsy. Number of patients: 49. Only high quality variants are reported.

Genome-Nilou Lab
Classification: Benign for Amyotrophic lateral sclerosis type 19. Last evaluated: 2021-07-30. Review status: criteria provided, single submitter. Criteria: ACMG Guidelines, 2015. Collection method: clinical testing. Allele origin: germline. Affected: no.

GeneDx
Classification: Benign. Last evaluated: 2021-05-11. Review status: criteria provided, single submitter. Criteria: GeneDx Variant Classification Process June 2021. Collection method: clinical testing. Allele origin: germline. Affected: yes.

Breakthrough Genomics
Classification: Benign. Review status: criteria provided, single submitter. Criteria: ACMG Guidelines, 2015. Collection method: not provided. Allele origin: germline. Inheritance: Autosomal dominant inheritance. Affected: yes.

Clinical Genetics DNA and cytogenetics Diagnostics Lab, Erasmus MC, Erasmus Medical Center
Classification: Benign. Review status: no assertion criteria provided. Collection method: clinical testing. Allele origin: germline. Affected: yes. Study: VKGL Data-share Consensus. Not counted in ClinVar's aggregate classification.

Genome Diagnostics Laboratory, Amsterdam University Medical Center
Classification: Benign. Review status: no assertion criteria provided. Collection method: clinical testing. Allele origin: germline. Affected: yes. Study: VKGL Data-share Consensus. Not counted in ClinVar's aggregate classification.